The following is an entry in ClinVar:

NM_022773.4(LMF1):c.595C>T (p.His199Tyr)

Gene: LMF1 (lipase maturation factor 1; minus strand). Cytogenetic location: 16p13.3.
Variant type: single nucleotide variant.
Coding change: c.595C>T on transcript NM_022773.4 (MANE Select); coding-DNA position 595, C replaced by T.
Protein change: p.His199Tyr; replaces histidine 199 with tyrosine.
Molecular consequence: missense variant. On other transcripts: 5 prime UTR variant (2), non-coding transcript variant (1).
Genome position (GRCh38, 1-based): chr16:910,999, G>A on the plus strand (C>T on the coding strand, the complement: LMF1 is on the minus strand). VCF-style: chr16-910999-G-A. GRCh37 (hg19) VCF-style: chr16-960999-G-A.
Other names: c.-57C>T (NM_001352017.2, NM_001352021.2); c.196C>T, p.His66Tyr (NM_001352018.2); c.268C>T, p.His90Tyr (NM_001352019.2); c.595C>T, p.His199Tyr (NM_001352020.1); short protein forms H66Y, H199Y, H90Y.
Identifiers: ClinVar variation 1750719 (VCV001750719.3), dbSNP rs775000455, ClinGen allele CA7797455.

ClinVar aggregate classification (germline): Uncertain significance (1 of 4 stars; one submission).

Conditions:
Cardiovascular phenotype. Identifiers: MedGen CN230736.

Allele frequency attached by ClinVar (database versions not stated): gnomAD 0.00001; ExAC 0.00006; TOPMed 0.00002; gnomAD exomes 0.00007.
gnomAD v4.1: 108 of 1,613,006 alleles (0.0067%); highest among the groups gnomAD compares: Non-Finnish European, 0.0091%; no homozygotes.

Submission:

Ambry Genetics
Classification: Uncertain significance for Cardiovascular phenotype. Last evaluated: 2025-04-07. Review status: criteria provided, single submitter. Criteria: Ambry Variant Classification Scheme 2023. Collection method: clinical testing. Allele origin: germline.
Comment: The p.H199Y variant (also known as c.595C>T), located in coding exon 4 of the LMF1 gene, results from a C to T substitution at nucleotide position 595. The histidine at codon 199 is replaced by tyrosine, an amino acid with similar properties. This amino acid position is conserved. In addition, this alteration is predicted to be tolerated by in silico analysis. Since supporting evidence is limited at this time, the clinical significance of this alteration remains unclear.